The following is an entry in ClinVar:

ClinVar aggregate classification (germline): Uncertain significance (1 of 4 stars; one submission).

Allele frequency attached by ClinVar (database versions not stated): gnomAD exomes below 0.00001.
gnomAD v4.1: 10 of 1,609,664 alleles (0.00062%); highest among the groups gnomAD compares: Non-Finnish European, 0.00085%; no homozygotes.

Submission:

Labcorp Genetics (formerly Invitae), Labcorp
Classification: Uncertain significance. Last evaluated: 2023-08-30. Review status: criteria provided, single submitter. Criteria: Invitae Variant Classification Sherloc (09022015). Collection method: clinical testing. Allele origin: germline.
Comment: In summary, the available evidence is currently insufficient to determine the role of this variant in disease. Therefore, it has been classified as a Variant of Uncertain Significance. Variants that disrupt the consensus splice site are a relatively common cause of aberrant splicing (PMID: 17576681, 9536098). Algorithms developed to predict the effect of sequence changes on RNA splicing suggest that this variant is not likely to affect RNA splicing. ClinVar contains an entry for this variant (Variation ID: 1440844). This variant has not been reported in the literature in individuals affected with SBF1-related conditions. This variant is present in population databases (no rsID available, gnomAD 0.001%). This sequence change falls in intron 18 of the SBF1 gene. It does not directly change the encoded amino acid sequence of the SBF1 protein. It affects a nucleotide within the consensus splice site.

Literature cited by the submitters: PubMed 17576681; PubMed 9536098.

NM_002972.4(SBF1):c.2127+6C>T

Gene: SBF1 (SET binding factor 1; minus strand). Cytogenetic location: 22q13.33.
Variant type: single nucleotide variant.
Coding change: c.2127+6C>T on transcript NM_002972.4 (MANE Select); 6 bases into the intron after coding-DNA position 2127, C replaced by T.
Molecular consequence: intron variant.
Genome position (GRCh38, 1-based): chr22:50,462,553, G>A on the plus strand (C>T on the coding strand, the complement: SBF1 is on the minus strand). VCF-style: chr22-50462553-G-A. GRCh37 (hg19) VCF-style: chr22-50900982-G-A.
Other names: c.2130+6C>T (NM_001365819.1).
Identifiers: ClinVar variation 1440844 (VCV001440844.6), dbSNP rs954777193, ClinGen allele CA640356306.